The following is an entry in ClinVar:

ClinVar aggregate classification (germline): Likely benign. Review status: criteria provided, multiple submitters, no conflicts (2 of 4 stars). 9 submissions from 9 submitters: Likely benign (9). Last evaluated 2026-02-03.

Conditions:
Cardiac arrhythmia. Also called: Arrhythmia; Cardiac rhythm disease. Identifiers: MedGen C0003811, MONDO:0007263, HP:0011675.
Cardiovascular phenotype. Identifiers: MedGen CN230736.
Long QT syndrome (LQTS). Identifiers: MedGen C0023976, MeSH D008133, MONDO:0002442. Disease mechanism: loss of function. Inheritance: Various modes of inheritance.

Allele frequency attached by ClinVar (database versions not stated): gnomAD exomes 0.00002 and 0.00004; ExAC 0.00003; TOPMed 0.00003; gnomAD 0.00004 and 0.00005.
gnomAD v4.1: 37 of 1,613,820 alleles (0.0023%); highest among the groups gnomAD compares: Middle Eastern, 0.017%; no homozygotes.

Submissions (9):

Labcorp Genetics (formerly Invitae), Labcorp
Classification: Likely benign for Long QT syndrome. Last evaluated: 2026-02-03. Review status: criteria provided, single submitter. Criteria: Invitae Variant Classification Sherloc (09022015). Collection method: clinical testing. Allele origin: germline.

Molecular Diagnostic Laboratory for Inherited Cardiovascular Disease, Montreal Heart Institute
Classification: Likely benign. Last evaluated: 2025-04-09. Review status: criteria provided, single submitter. Criteria: ACMG Guidelines, 2015. Collection method: clinical testing. Allele origin: germline. Affected: no.

Blueprint Genetics
Classification: Likely benign. Last evaluated: 2024-11-27. Review status: criteria provided, single submitter. Criteria: ACMG Guidelines, 2015. Collection method: clinical testing. Allele origin: germline.

Ambry Genetics
Classification: Likely benign for Cardiovascular phenotype. Last evaluated: 2024-01-30. Review status: criteria provided, single submitter. Criteria: Ambry Variant Classification Scheme 2023. Collection method: clinical testing. Allele origin: germline.

GeneDx
Classification: Likely benign. Last evaluated: 2019-11-29. Review status: criteria provided, single submitter. Criteria: GeneDx Variant Classification Process June 2021. Collection method: clinical testing. Allele origin: germline. Affected: yes.

Color Diagnostics, LLC DBA Color Health
Classification: Likely benign for Arrhythmia. Last evaluated: 2018-05-29. Review status: criteria provided, single submitter. Criteria: ACMG Guidelines, 2015. Collection method: clinical testing. Allele origin: germline.

Institute for Genomic Medicine (IGM) Clinical Laboratory, Nationwide Children's Hospital
Classification: Likely benign. Last evaluated: 2017-11-15. Review status: criteria provided, single submitter. Criteria: ACMG Guidelines, 2015. Collection method: clinical testing. Allele origin: germline.
Comment: BP4, BP6; This alteration is predicted to be tolerated by multiple functional prediction tools, and was reported as a benign/likely benign alteration by a reputable source (ClinVar or other correspondence from a clinical testing laboratory).

Laboratory for Molecular Medicine, Mass General Brigham Personalized Medicine
Classification: Likely benign. Last evaluated: 2017-02-28. Review status: criteria provided, single submitter. Criteria: LMM Criteria. Collection method: clinical testing. Allele origin: germline. Observed: 1 variant allele.
Comment: c.1033-4C>T in intron 7 of KCNQ1: This variant is not expected to have clinical significance because it is not located within the splice consensus sequence. It has been identified in 3/66520 of European chromosomes by the Exome Aggregation Consortium (ExAC; dbSNP rs543599445)

PreventionGenetics, part of Exact Sciences
Classification: Likely benign. Review status: criteria provided, single submitter. Criteria: ACMG Guidelines, 2015. Collection method: clinical testing. Allele origin: germline.

NM_000218.3(KCNQ1):c.1033-4C>T

Gene: KCNQ1 (potassium voltage-gated channel subfamily Q member 1; plus strand). Cytogenetic location: 11p15.5.
Variant type: single nucleotide variant.
Coding change: c.1033-4C>T on transcript NM_000218.3 (MANE Select); 4 bases into the intron before coding-DNA position 1033, C replaced by T.
Molecular consequence: intron variant.
Genome position (GRCh38, 1-based): chr11:2,585,208, C>T. VCF-style: chr11-2585208-C-T. GRCh37 (hg19) VCF-style: chr11-2606438-C-T.
Other names: c.763-4C>T (NM_001406837.1); c.1032+1663C>T (NM_001406836.1); c.588+1663C>T (NM_001406838.1); c.652-4C>T (NM_181798.2).
Identifiers: ClinVar variation 255565 (VCV000255565.26), dbSNP rs543599445, ClinGen allele CA026936.